The following is an entry in ClinVar:

ClinVar aggregate classification (germline): Pathogenic (1 of 4 stars; one submission).

Conditions:
Charcot-Marie-Tooth disease type 2. Also called: Charcot-Marie-Tooth type 2. Identifiers: Orphanet 64746, MedGen C0270914, MONDO:0018993.

Submission:

Labcorp Genetics (formerly Invitae), Labcorp
Classification: Pathogenic for Charcot-Marie-Tooth disease type 2. Last evaluated: 2022-03-18. Review status: criteria provided, single submitter. Criteria: Invitae Variant Classification Sherloc (09022015). Collection method: clinical testing. Allele origin: germline.
Comment: This variant is not present in population databases (gnomAD no frequency). This variant has not been reported in the literature in individuals affected with LMNA-related conditions. ClinVar contains an entry for this variant (Variation ID: 939418). For these reasons, this variant has been classified as Pathogenic. This sequence change creates a premature translational stop signal (p.Gln6Serfs*90) in the LMNA gene. It is expected to result in an absent or disrupted protein product. Loss-of-function variants in LMNA are known to be pathogenic (PMID: 18585512, 18926329).

Literature cited by the submitters: PubMed 18585512; PubMed 18926329.

NM_170707.4(LMNA):c.16del (p.Gln6fs)

Gene: LMNA (lamin A/C; plus strand). Cytogenetic location: 1q22.
Variant type: Deletion.
Coding change: c.16del on transcript NM_170707.4 (MANE Select); coding-DNA position 16, one base deleted (C; older notation c.16delC).
Protein change: p.Gln6fs; shifts the reading frame from glutamine 6.
Molecular consequence: frameshift variant.
Genome position (GRCh38, 1-based): chr1:156,114,934, C deleted; the last of 3 consecutive C bases (chr1:156,114,932-156,114,934); deleting any one gives the same sequence. VCF-style (leftmost placement, unchanged base first): chr1-156114931-TC-T. GRCh37 (hg19) VCF-style: chr1-156084722-TC-T.
Other names: c.16del, p.Gln6fs (NM_001282625.2, NM_001282626.2, NM_005572.4 and 1 more transcripts); short protein forms Q6fs.
Identifiers: ClinVar variation 939418 (VCV000939418.7), dbSNP rs1649696391, ClinGen allele CA1139656350.